The following is an entry in ClinVar:

NM_000400.4(ERCC2):c.2189G>A (p.Arg730Gln)

Gene: ERCC2 (ERCC excision repair 2, TFIIH core complex helicase subunit; minus strand). Cytogenetic location: 19q13.32.
Variant type: single nucleotide variant.
Coding change: c.2189G>A on transcript NM_000400.4 (MANE Select); coding-DNA position 2189, G replaced by A.
Protein change: p.Arg730Gln; replaces arginine 730 with glutamine.
Molecular consequence: missense variant.
Genome position (GRCh38, 1-based): chr19:45,352,210, C>T on the plus strand (G>A on the coding strand, the complement: ERCC2 is on the minus strand). VCF-style: chr19-45352210-C-T. GRCh37 (hg19) VCF-style: chr19-45855468-C-T.
Other names: short protein forms R730Q.
Identifiers: ClinVar variation 1206329 (VCV001206329.9), dbSNP rs759412116, ClinGen allele CA9512857.

ClinVar aggregate classification (germline): Uncertain significance. Review status: criteria provided, multiple submitters, no conflicts (2 of 4 stars). 6 submissions from 6 submitters: Uncertain significance (4). 2 of the submissions do not count toward it. Last evaluated 2024-04-18.

Conditions:
Inborn genetic diseases. Identifiers: MedGen C0950123, MeSH D030342.
Xeroderma pigmentosum (XP). Identifiers: Orphanet 910, MedGen C0043346, MONDO:0019600.

Allele frequency attached by ClinVar (database versions not stated): ExAC 0.00008.
gnomAD v4.1: 59 of 1,613,628 alleles (0.0037%); highest among the groups gnomAD compares: Admixed American, 0.018%; no homozygotes.

Submissions (6):

Women's Health and Genetics/Laboratory Corporation of America, LabCorp
Classification: Uncertain significance. Last evaluated: 2024-04-18. Review status: criteria provided, single submitter. Criteria: LabCorp Variant Classification Summary - May 2015. Collection method: clinical testing. Allele origin: germline.
Comment: Variant summary: ERCC2 c.2189G>A (p.Arg730Gln) results in a conservative amino acid change in the encoded protein sequence. Four of five in-silico tools predict a benign effect of the variant on protein function. Consensus agreement among computation tools predict no significant impact on normal splicing. However, these predictions have yet to be confirmed by functional studies. The variant allele was found at a frequency of 6e-05 in 250376 control chromosomes. This frequency is not significantly higher than estimated for a pathogenic variant in ERCC2 causing Xeroderma Pigmentosum (6e-05 vs 0.00061), allowing no conclusion about variant significance. These authors reported a Likely Pathogenic outcome citing ACMG criteria PM2+PP3+PM3. To our knowledge, no experimental evidence demonstrating an impact on protein function has been reported. The following publication have been ascertained in the context of this evaluation (PMID: 37501076). ClinVar contains an entry for this variant (Variation ID: 1206329). Since the relationship of this phenotype to ERCC2 gene is considered provisional at the time of this ascertainment (OMIM), based on the evidence outlined above, the variant was classified as VUS-possibly pathogenic.

Ambry Genetics
Classification: Uncertain significance for Inborn genetic diseases. Last evaluated: 2023-06-06. Review status: criteria provided, single submitter. Criteria: Ambry Variant Classification Scheme 2023. Collection method: clinical testing. Allele origin: germline.

Labcorp Genetics (formerly Invitae), Labcorp
Classification: Uncertain significance. Last evaluated: 2022-08-16. Review status: criteria provided, single submitter. Criteria: Invitae Variant Classification Sherloc (09022015). Collection method: clinical testing. Allele origin: germline.
Comment: This sequence change replaces arginine, which is basic and polar, with glutamine, which is neutral and polar, at codon 730 of the ERCC2 protein (p.Arg730Gln). This variant is present in population databases (rs759412116, gnomAD 0.03%). This variant has not been reported in the literature in individuals affected with ERCC2-related conditions. ClinVar contains an entry for this variant (Variation ID: 1206329). Algorithms developed to predict the effect of missense changes on protein structure and function output the following: SIFT: "Tolerated"; PolyPhen-2: "Benign"; Align-GVGD: "Class C0". The glutamine amino acid residue is found in multiple mammalian species, which suggests that this missense change does not adversely affect protein function. Algorithms developed to predict the effect of sequence changes on RNA splicing suggest that this variant may create or strengthen a splice site. In summary, the available evidence is currently insufficient to determine the role of this variant in disease. Therefore, it has been classified as a Variant of Uncertain Significance.

Sema4
Classification: Uncertain significance for Xeroderma pigmentosum. Last evaluated: 2021-11-29. Review status: criteria provided, single submitter. Criteria: Sema4 Curation Guidelines. Collection method: curation. Allele origin: germline.
Comment: The ERCC2 c.2189G>A (p.R730Q) variant has not been reported in the literature to our knowledge. It was observed in 9/35364 chromosomes of the Latino subpopulation in the large and broad cohorts of the Genome Aggregation Database (PMID: 32461654), and has been reported in ClinVar (Variation ID 1206329). Functional studies have not been performed, and in silico predictions of the variant's effect on protein function are inconclusive. The evidence is insufficient to meet ACMG/AMP criteria for classifying the variant as benign or pathogenic. Thus, the clinical significance of this variant is currently uncertain.

Clinical Genetics DNA and cytogenetics Diagnostics Lab, Erasmus MC, Erasmus Medical Center
Classification: Likely benign. Review status: no assertion criteria provided. Collection method: clinical testing. Allele origin: germline. Affected: yes. Study: VKGL Data-share Consensus. Not counted in ClinVar's aggregate classification.

Laboratory of Diagnostic Genome Analysis, Leiden University Medical Center (LUMC)
Classification: Likely benign. Review status: no assertion criteria provided. Collection method: clinical testing. Allele origin: germline. Affected: yes. Study: VKGL Data-share Consensus. Not counted in ClinVar's aggregate classification.

Literature cited by the submitters: PubMed 37501076 (cited by Women's Health and Genetics/Laboratory Corporation of America, LabCorp).